The following is an entry in ClinVar:

NM_153700.2(STRC):c.347T>C (p.Met116Thr)

Gene: STRC (stereocilin; minus strand). Cytogenetic location: 15q15.3.
Variant type: single nucleotide variant.
Coding change: c.347T>C on transcript NM_153700.2 (MANE Select); coding-DNA position 347, T replaced by C.
Protein change: p.Met116Thr; replaces methionine 116 with threonine.
Molecular consequence: missense variant.
Genome position (GRCh38, 1-based): chr15:43,618,074, A>G on the plus strand (T>C on the coding strand, the complement: STRC is on the minus strand). VCF-style: chr15-43618074-A-G. GRCh37 (hg19) VCF-style: chr15-43910272-A-G.
Other names: short protein forms M116T.
Identifiers: ClinVar variation 2468640 (VCV002468640.4), dbSNP rs554174715, ClinGen allele CA7528481.

ClinVar aggregate classification (germline): Uncertain significance. Review status: criteria provided, multiple submitters, no conflicts (2 of 4 stars). 2 submissions from 2 submitters: Uncertain significance (2). Last evaluated 2026-01-05.

Conditions:
STRC-related disorder. Also called: STRC-related condition.
Inborn genetic diseases. Identifiers: MedGen C0950123, MeSH D030342.

Allele frequency attached by ClinVar (database versions not stated): ExAC 0.00019; 1000 Genomes Project 0.00020; 1000 Genomes Project 30x 0.00031.

Submissions (2):

PreventionGenetics, part of Exact Sciences
Classification: Uncertain significance for STRC-related condition. Last evaluated: 2026-01-05. Review status: criteria provided, single submitter. Criteria: ACMG Guidelines, 2015. Collection method: clinical testing. Allele origin: germline.
Comment: The STRC c.347T>C variant is predicted to result in the amino acid substitution p.Met116Thr. To our knowledge, this variant has not been reported in the literature. This variant is reported in 0.061% of alleles in individuals of African descent in gnomAD, but this data may be inaccurate due to misalignment of NGS reads between the functional and pseudogene. Although we suspect that this variant may be benign, at this time, the clinical significance of this variant is uncertain due to the absence of conclusive functional and genetic evidence.

Ambry Genetics
Classification: Uncertain significance for Inborn genetic diseases. Last evaluated: 2025-03-18. Review status: criteria provided, single submitter. Criteria: Ambry Variant Classification Scheme 2023. Collection method: clinical testing. Allele origin: germline.